The following is an entry in ClinVar:

NC_000017.10:g.(?_62987152)_(63554748_?)dup

Genes: AXIN2 (axin 2; minus strand), RGS9 (regulator of G protein signaling 9; plus strand), GNA13 (G protein subunit alpha 13; minus strand), LINC02563 (long intergenic non-protein coding RNA 2563; plus strand), LOC130061460 (ATAC-STARR-seq lymphoblastoid silent region 8860; plus strand) and 13 more. Cytogenetic location: 17q24.1.
Variant type: Duplication.
Identifiers: ClinVar variation 650695 (VCV000650695.1).

ClinVar aggregate classification (germline): Uncertain significance (1 of 4 stars; one submission).

Conditions:
Oligodontia-cancer predisposition syndrome. Also called: TOOTH AGENESIS-COLORECTAL CANCER SYNDROME. Identifiers: Orphanet 300576, MedGen C1837750, MONDO:0012075, OMIM 608615. Disease mechanism: loss of function.

Submission:

Labcorp Genetics (formerly Invitae), Labcorp
Classification: Uncertain significance for Oligodontia-colorectal cancer syndrome. Last evaluated: 2018-09-20. Review status: criteria provided, single submitter. Criteria: Invitae Variant Classification Sherloc (09022015). Collection method: clinical testing. Allele origin: germline.
Comment: A gross duplication of the genomic region encompassing the full coding sequence of the AXIN2 gene has been identified. The boundaries of this event are unknown as the duplication extends beyond the assayed region for this gene and therefore may encompass additional genes. As the precise location of this duplication is unknown, it may be in tandem or it may be located elsewhere in the genome. Whole gene duplication of AXIN2 has not been reported in the literature in individuals with an AXIN2-related disease. In summary, the exact genomic location of this variant is unknown and the impact of this duplication on AXIN2 protein function has not been established. Therefore, it has been classified as a Variant of Uncertain Significance.